The following is an entry in ClinVar:

NM_001378454.1(ALMS1):c.2293T>C (p.Ser765Pro)

Gene: ALMS1 (ALMS1 centrosome and basal body associated protein; plus strand). Cytogenetic location: 2p13.1.
Variant type: single nucleotide variant.
Coding change: c.2293T>C on transcript NM_001378454.1 (MANE Select); coding-DNA position 2293, T replaced by C.
Protein change: p.Ser765Pro; replaces serine 765 with proline.
Molecular consequence: missense variant.
Genome position (GRCh38, 1-based): chr2:73,448,820, T>C. VCF-style: chr2-73448820-T-C. GRCh37 (hg19) VCF-style: chr2-73675947-T-C.
Other names: c.2296T>C, p.Ser766Pro (NM_015120.4); short protein forms S766P, S765P.
Identifiers: ClinVar variation 552687 (VCV000552687.6), dbSNP rs373936479, ClinGen allele CA50391510.
Genomic context (GRCh38, chr2:73,448,820, plus strand): 5'-GCCACTCCTGGACCAGCTGACCAGAAGACTGAGATACCAGCAGTACAGTCTAGTTCTTAC[T>C]CACAAAGAGAAAAGCCTAGTATTTTGTACCCACAGGACTTAGCAGACAGTCATCTACCTG-3'
Protein context (NP_001365383.1, residues 755-775): EIPAVQSSSY[Ser765Pro]QREKPSILYP

ClinVar aggregate classification (germline): Uncertain significance. Review status: criteria provided, multiple submitters, no conflicts (2 of 4 stars). 3 submissions from 3 submitters: Uncertain significance (2). 1 of the submissions does not count toward it. Last evaluated 2022-07-21.

Conditions:
Cardiovascular phenotype. Identifiers: MedGen CN230736.
Alstrom syndrome (ALMS). Identifiers: Orphanet 64, MedGen C0268425, MONDO:0008763, OMIM 203800.

Allele frequency attached by ClinVar (database versions not stated): gnomAD 0.00002; gnomAD exomes 0.00002; TOPMed 0.00003; ESP Exome Variant Server 0.00008.
gnomAD v4.1: 49 of 1,613,736 alleles (0.003%); highest among the groups gnomAD compares: Non-Finnish European, 0.0041%; no homozygotes.

Submissions (3):

Labcorp Genetics (formerly Invitae), Labcorp
Classification: Uncertain significance for Alstrom syndrome. Last evaluated: 2022-07-21. Review status: criteria provided, single submitter. Criteria: Invitae Variant Classification Sherloc (09022015). Collection method: clinical testing. Allele origin: germline.
Comment: This sequence change replaces serine, which is neutral and polar, with proline, which is neutral and non-polar, at codon 766 of the ALMS1 protein (p.Ser766Pro). The frequency data for this variant in the population databases is considered unreliable, as metrics indicate poor data quality at this position in the gnomAD database. This variant has not been reported in the literature in individuals affected with ALMS1-related conditions. ClinVar contains an entry for this variant (Variation ID: 552687). Experimental studies and prediction algorithms are not available or were not evaluated, and the functional significance of this variant is currently unknown. In summary, the available evidence is currently insufficient to determine the role of this variant in disease. Therefore, it has been classified as a Variant of Uncertain Significance.

Ambry Genetics
Classification: Uncertain significance for Cardiovascular phenotype. Last evaluated: 2022-03-09. Review status: criteria provided, single submitter. Criteria: Ambry Variant Classification Scheme 2023. Collection method: clinical testing. Allele origin: germline.
Comment: The p.S766P variant (also known as c.2296T>C), located in coding exon 8 of the ALMS1 gene, results from a T to C substitution at nucleotide position 2296. The serine at codon 766 is replaced by proline, an amino acid with similar properties. This amino acid position is well conserved in available vertebrate species. In addition, this alteration is predicted to be tolerated by in silico analysis. Since supporting evidence is limited at this time, the clinical significance of this alteration remains unclear.

Counsyl
Classification: Uncertain significance for Alstrom syndrome. Last evaluated: 2017-06-30. Review status: no assertion criteria provided. Collection method: clinical testing. Allele origin: unknown. Not counted in ClinVar's aggregate classification.